The following is an entry in ClinVar:

NM_022356.4(P3H1):c.208_216dup (p.Arg72_Leu73insAlaLeuArg)

Genes: P3H1 (prolyl 3-hydroxylase 1; minus strand), LOC129930352 (ATAC-STARR-seq lymphoblastoid silent region 767; plus strand). Cytogenetic location: 1p34.2.
Variant type: Duplication.
Coding change: c.208_216dup on transcript NM_022356.4 (MANE Select); coding-DNA positions 208 to 216, 9 bases duplicated (GCCCTTCGC; older notation c.208_216dupGCCCTTCGC).
Protein change: p.Arg72_Leu73insAlaLeuArg.
Molecular consequence: inframe insertion.
Genome position (GRCh38, 1-based): chr1:42,766,756-42,766,764, GCGAAGGGC duplicated on the plus strand (GCCCTTCGC on the coding strand, the reverse complement: P3H1 is on the minus strand); duplicating any 9 consecutive bases within chr1:42,766,756-42,766,767 gives the same sequence; the c. name uses the placement nearest the transcript's 3' end. VCF-style (leftmost placement, unchanged base first): chr1-42766755-G-GGCGAAGGGC. GRCh37 (hg19) VCF-style: chr1-43232426-G-GGCGAAGGGC.
Other names: c.208_216dup, p.Arg72_Leu73insAlaLeuArg (NM_001146289.2, NM_001243246.2).
Identifiers: ClinVar variation 1930400 (VCV001930400.5), dbSNP rs2524515530, ClinGen allele CA2580062768.

ClinVar aggregate classification (germline): Uncertain significance (1 of 4 stars; one submission).

Conditions:
Osteogenesis imperfecta type 8 (OI8). Identifiers: MedGen C1970458, MONDO:0012581, OMIM 610915.

Submission:

Labcorp Genetics (formerly Invitae), Labcorp
Classification: Uncertain significance for Osteogenesis imperfecta type 8. Last evaluated: 2024-01-02. Review status: criteria provided, single submitter. Criteria: Invitae Variant Classification Sherloc (09022015). Collection method: clinical testing. Allele origin: germline.
Comment: This variant, c.208_216dup, results in the insertion of 3 amino acid(s) of the P3H1 protein (p.Ala70_Arg72dup), but otherwise preserves the integrity of the reading frame. This variant is not present in population databases (gnomAD no frequency). This variant has not been reported in the literature in individuals affected with P3H1-related conditions. ClinVar contains an entry for this variant (Variation ID: 1930400). Experimental studies and prediction algorithms are not available or were not evaluated, and the functional significance of this variant is currently unknown. In summary, the available evidence is currently insufficient to determine the role of this variant in disease. Therefore, it has been classified as a Variant of Uncertain Significance.